The following is an entry in ClinVar:

NM_173689.7(CRB2):c.937G>A (p.Glu313Lys)

Gene: CRB2 (crumbs cell polarity complex component 2; plus strand). Cytogenetic location: 9q33.3.
Variant type: single nucleotide variant.
Coding change: c.937G>A on transcript NM_173689.7 (MANE Select); coding-DNA position 937, G replaced by A.
Protein change: p.Glu313Lys; replaces glutamic acid 313 with lysine.
Molecular consequence: missense variant.
Genome position (GRCh38, 1-based): chr9:123,367,354, G>A. VCF-style: chr9-123367354-G-A. GRCh37 (hg19) VCF-style: chr9-126129633-G-A.
Other names: short protein forms E313K.
Identifiers: ClinVar variation 2500613 (VCV002500613.1), dbSNP rs1365797926, ClinGen allele CA374859578.

ClinVar aggregate classification (germline): Uncertain significance (1 of 4 stars; one submission).

Allele frequency attached by ClinVar (database versions not stated): gnomAD exomes below 0.00001.

Submission:

GeneDx
Classification: Uncertain significance. Last evaluated: 2022-10-31. Review status: criteria provided, single submitter. Criteria: GeneDx Variant Classification Process June 2021. Collection method: clinical testing. Allele origin: germline. Affected: yes.
Comment: Not observed at significant frequency in large population cohorts (gnomAD); In silico analysis supports that this missense variant does not alter protein structure/function; Has not been previously published as pathogenic or benign to our knowledge